The following is an entry in ClinVar:

NM_022124.6(CDH23):c.3251G>A (p.Gly1084Asp)

Genes: C10orf105 (chromosome 10 open reading frame 105; minus strand), CDH23 (cadherin related 23; plus strand). Cytogenetic location: 10q22.1.
Variant type: single nucleotide variant.
Coding change: c.3251G>A on transcript NM_022124.6 (MANE Select); coding-DNA position 3251, G replaced by A.
Protein change: p.Gly1084Asp; replaces glycine 1084 with aspartic acid.
Molecular consequence: missense variant. On other transcripts: 3 prime UTR variant (2).
Genome position (GRCh38, 1-based): chr10:71,712,695, G>A. VCF-style: chr10-71712695-G-A. GRCh37 (hg19) VCF-style: chr10-73472452-G-A.
Other names: c.*3241C>T (NM_001164375.3, NM_001168390.2); c.3251G>A, p.Gly1084Asp (NM_001171930.2); short protein forms G1084D.
Identifiers: ClinVar variation 1945691 (VCV001945691.5), dbSNP rs754122678, ClinGen allele CA5544536.

ClinVar aggregate classification (germline): Uncertain significance (1 of 4 stars; one submission).

Allele frequency attached by ClinVar (database versions not stated): gnomAD exomes below 0.00001; ExAC 0.00001.
gnomAD v4.1: 4 of 1,613,658 alleles (0.00025%); highest among the groups gnomAD compares: East Asian, 0.0022%; no homozygotes.

Submission:

Labcorp Genetics (formerly Invitae), Labcorp
Classification: Uncertain significance. Last evaluated: 2022-07-25. Review status: criteria provided, single submitter. Criteria: Invitae Variant Classification Sherloc (09022015). Collection method: clinical testing. Allele origin: germline.
Comment: This sequence change replaces glycine, which is neutral and non-polar, with aspartic acid, which is acidic and polar, at codon 1084 of the CDH23 protein (p.Gly1084Asp). This variant is present in population databases (rs754122678, gnomAD 0.006%). This variant has not been reported in the literature in individuals affected with CDH23-related conditions. Algorithms developed to predict the effect of missense changes on protein structure and function are either unavailable or do not agree on the potential impact of this missense change (SIFT: "Deleterious"; PolyPhen-2: "Not Available"; Align-GVGD: "Class C65"). In summary, the available evidence is currently insufficient to determine the role of this variant in disease. Therefore, it has been classified as a Variant of Uncertain Significance.